The following is an entry in ClinVar:

ClinVar aggregate classification (germline): Uncertain significance (1 of 4 stars; one submission).

Submission:

CeGaT Center for Human Genetics Tuebingen
Classification: Uncertain significance. Last evaluated: 2025-06-01. Review status: criteria provided, single submitter. Criteria: CeGaT Center For Human Genetics Tuebingen Variant Classification Criteria Version 2. Collection method: clinical testing. Allele origin: germline. Affected: yes. Observed: 1 variant allele.
Comment: STAG1: PM2

NM_005862.3(STAG1):c.1842T>A (p.Asp614Glu)

Gene: STAG1 (STAG1 cohesin complex component; minus strand). Cytogenetic location: 3q22.3.
Variant type: single nucleotide variant.
Coding change: c.1842T>A on transcript NM_005862.3 (MANE Select); coding-DNA position 1842, T replaced by A.
Protein change: p.Asp614Glu; replaces aspartic acid 614 with glutamic acid.
Molecular consequence: missense variant.
Genome position (GRCh38, 1-based): chr3:136,422,605, A>T on the plus strand (T>A on the coding strand, the complement: STAG1 is on the minus strand). VCF-style: chr3-136422605-A-T. GRCh37 (hg19) VCF-style: chr3-136141447-A-T.
Other names: short protein forms D614E.
Identifiers: ClinVar variation 3905893 (VCV003905893.10).